The following is an entry in ClinVar:

ClinVar aggregate classification (germline): Uncertain significance (1 of 4 stars; one submission).

Conditions:
BBS12-related disorder. Also called: BBS12-related condition.

Allele frequency attached by ClinVar (database versions not stated): gnomAD exomes below 0.00001.
gnomAD v4.1: 1 of 1,614,194 alleles (0.000062%); highest among the groups gnomAD compares: Non-Finnish European, 0.000085%; no homozygotes.

Submission:

PreventionGenetics, part of Exact Sciences
Classification: Uncertain significance for BBS12-related condition. Last evaluated: 2023-08-11. Review status: criteria provided, single submitter. Criteria: ACMG Guidelines, 2015. Collection method: clinical testing. Allele origin: germline.
Comment: The BBS12 c.986G>A variant is predicted to result in the amino acid substitution p.Cys329Tyr. To our knowledge, this variant has not been reported in the literature or in a large population database, indicating this variant is rare. At this time, the clinical significance of this variant is uncertain due to the absence of conclusive functional and genetic evidence.

NM_152618.3(BBS12):c.986G>A (p.Cys329Tyr)

Gene: BBS12 (Bardet-Biedl syndrome 12; plus strand). Cytogenetic location: 4q27.
Variant type: single nucleotide variant.
Coding change: c.986G>A on transcript NM_152618.3 (MANE Select); coding-DNA position 986, G replaced by A.
Protein change: p.Cys329Tyr; replaces cysteine 329 with tyrosine.
Molecular consequence: missense variant.
Genome position (GRCh38, 1-based): chr4:122,742,878, G>A. VCF-style: chr4-122742878-G-A. GRCh37 (hg19) VCF-style: chr4-123664033-G-A.
Other names: c.986G>A, p.Cys329Tyr (NM_001178007.2); short protein forms C329Y.
Identifiers: ClinVar variation 2631699 (VCV002631699.1), dbSNP rs2485074643, ClinGen allele CA358224146.